The following is an entry in ClinVar:

ClinVar aggregate classification (germline): Uncertain significance (1 of 4 stars; one submission).

Conditions:
Hereditary cancer-predisposing syndrome. Also called: Hereditary Cancer Syndrome; Hereditary neoplastic syndrome; Neoplastic Syndromes, Hereditary; Tumor predisposition. Identifiers: Orphanet 140162, MedGen C0027672, MeSH D009386, MONDO:0015356.

Submission:

Ambry Genetics
Classification: Uncertain significance for Hereditary cancer-predisposing syndrome. Last evaluated: 2021-01-05. Review status: criteria provided, single submitter. Criteria: Ambry Variant Classification Scheme 2023. Collection method: clinical testing. Allele origin: germline.
Comment: The p.S498T variant (also known as c.1493G>C), located in coding exon 11 of the PMS2 gene, results from a G to C substitution at nucleotide position 1493. The serine at codon 498 is replaced by threonine, an amino acid with similar properties. This amino acid position is well conserved in available vertebrate species. In addition, this alteration is predicted to be tolerated by in silico analysis. Since supporting evidence is limited at this time, the clinical significance of this alteration remains unclear.

NM_000535.7(PMS2):c.1493G>C (p.Ser498Thr)

Gene: PMS2 (PMS1 homolog 2, mismatch repair system component; minus strand). Cytogenetic location: 7p22.1.
Variant type: single nucleotide variant.
Coding change: c.1493G>C on transcript NM_000535.7 (MANE Select); coding-DNA position 1493, G replaced by C.
Protein change: p.Ser498Thr; replaces serine 498 with threonine.
Molecular consequence: missense variant. On other transcripts: non-coding transcript variant (1).
Genome position (GRCh38, 1-based): chr7:5,987,272, C>G on the plus strand (G>C on the coding strand, the complement: PMS2 is on the minus strand). VCF-style: chr7-5987272-C-G. GRCh37 (hg19) VCF-style: chr7-6026903-C-G.
Other names: c.1019G>C, p.Ser340Thr (NM_001406901.1, NM_001406902.1); c.980G>C, p.Ser327Thr (NM_001406905.1, NM_001406904.1); c.932G>C, p.Ser311Thr (NM_001406906.1, NM_001406907.1, NM_001322010.2); c.1088G>C, p.Ser363Thr (NM_001406910.1, NM_001406908.1, NM_001406887.1 and 17 more transcripts); c.1175G>C, p.Ser392Thr (NM_001406903.1, NM_001406876.1, NM_001406883.1 and 2 more transcripts); c.920G>C, p.Ser307Thr (NM_001406909.1, NM_001322013.2); c.722G>C, p.Ser241Thr (NM_001406911.1); c.1337G>C, p.Ser446Thr (NM_001406870.1, NM_001322006.2); and 12 more; short protein forms S311T, S376T, S241T, S307T, S327T, S340T, S432T, S442T.
Identifiers: ClinVar variation 1773836 (VCV001773836.2), dbSNP rs1783073277, ClinGen allele CA366741786.